The following is an entry in ClinVar:

ClinVar aggregate classification (germline): Uncertain significance. Review status: criteria provided, multiple submitters, no conflicts (2 of 4 stars). 2 submissions from 2 submitters: Uncertain significance (2). Last evaluated 2025-04-02.

Conditions:
Tuberous sclerosis 2 (TSC2). Identifiers: Orphanet 805, MedGen C1860707, MONDO:0013199, OMIM 613254.

Submissions (2):

GeneDx
Classification: Uncertain significance. Last evaluated: 2025-04-02. Review status: criteria provided, single submitter. Criteria: GeneDx Variant Classification Process June 2021. Collection method: clinical testing. Allele origin: germline. Affected: yes.
Comment: Not observed at significant frequency in large population cohorts (gnomAD); In silico analysis supports that this missense variant has a deleterious effect on protein structure/function; Has not been previously published as pathogenic or benign to our knowledge

Labcorp Genetics (formerly Invitae), Labcorp
Classification: Uncertain significance for Tuberous sclerosis 2. Last evaluated: 2022-08-09. Review status: criteria provided, single submitter. Criteria: Invitae Variant Classification Sherloc (09022015). Collection method: clinical testing. Allele origin: germline.
Comment: ClinVar contains an entry for this variant (Variation ID: 1517318). In summary, the available evidence is currently insufficient to determine the role of this variant in disease. Therefore, it has been classified as a Variant of Uncertain Significance. Advanced modeling of protein sequence and biophysical properties (such as structural, functional, and spatial information, amino acid conservation, physicochemical variation, residue mobility, and thermodynamic stability) performed at Invitae indicates that this missense variant is expected to disrupt TSC2 protein function. This variant has not been reported in the literature in individuals affected with TSC2-related conditions. This variant is not present in population databases (gnomAD no frequency). This sequence change replaces isoleucine, which is neutral and non-polar, with phenylalanine, which is neutral and non-polar, at codon 1747 of the TSC2 protein (p.Ile1747Phe).

NM_000548.5(TSC2):c.5239A>T (p.Ile1747Phe)

Gene: TSC2 (TSC complex subunit 2; plus strand). Cytogenetic location: 16p13.3.
Variant type: single nucleotide variant.
Coding change: c.5239A>T on transcript NM_000548.5 (MANE Select); coding-DNA position 5239, A replaced by T.
Protein change: p.Ile1747Phe; replaces isoleucine 1747 with phenylalanine.
Molecular consequence: missense variant.
Genome position (GRCh38, 1-based): chr16:2,088,305, A>T. VCF-style: chr16-2088305-A-T. GRCh37 (hg19) VCF-style: chr16-2138306-A-T.
Other names: c.5038A>T, p.Ile1680Phe (NM_001077183.3); c.5170A>T, p.Ile1724Phe (NM_001114382.3); c.4930A>T, p.Ile1644Phe (NM_001318827.2); c.4894A>T, p.Ile1632Phe (NM_001318829.2); c.4507A>T, p.Ile1503Phe (NM_001318831.2); c.5071A>T, p.Ile1691Phe (NM_001318832.2); c.5041A>T, p.Ile1681Phe (NM_001363528.2); c.5107A>T, p.Ile1703Phe (NM_001370404.1); and 2 more; short protein forms I1681F, I1691F, I1680F, I1503F, I1644F, I1703F, I1704F, I1747F.
Identifiers: ClinVar variation 1517318 (VCV001517318.9), dbSNP rs2151631966, ClinGen allele CA394314631.